The following is an entry in ClinVar:

ClinVar aggregate classification (germline): Conflicting classifications of pathogenicity. Review status: criteria provided, conflicting classifications (1 of 4 stars). 5 submissions from 5 submitters: Uncertain significance (3); Likely benign (2). Last evaluated 2025-12-28.

Conditions:
Inborn genetic diseases. Identifiers: MedGen C0950123, MeSH D030342.

Allele frequency attached by ClinVar (database versions not stated): TOPMed 0.00013; ExAC 0.00014; 1000 Genomes Project 30x 0.00016; 1000 Genomes Project 0.00020; gnomAD 0.00029 and 0.00030.
gnomAD v4.1: 289 of 1,613,808 alleles (0.018%); highest among the groups gnomAD compares: Non-Finnish European, 0.012%; no homozygotes.

Submissions (5):

Labcorp Genetics (formerly Invitae), Labcorp
Classification: Likely benign. Last evaluated: 2025-12-28. Review status: criteria provided, single submitter. Criteria: Invitae Variant Classification Sherloc (09022015). Collection method: clinical testing. Allele origin: germline.

Ambry Genetics
Classification: Uncertain significance for Inborn genetic diseases. Last evaluated: 2024-12-09. Review status: criteria provided, single submitter. Criteria: Ambry Variant Classification Scheme 2023. Collection method: clinical testing. Allele origin: germline.

Blueprint Genetics
Classification: Likely benign. Last evaluated: 2024-10-04. Review status: criteria provided, single submitter. Criteria: ACMG Guidelines, 2015. Collection method: clinical testing. Allele origin: germline.

GeneDx
Classification: Uncertain significance. Last evaluated: 2017-08-09. Review status: criteria provided, single submitter. Criteria: GeneDx Variant Classification (06012015). Collection method: clinical testing. Allele origin: germline. Affected: yes.
Comment: The R607W variant in the MAK gene has not been reported previously as a pathogenic variant, nor as a benign variant, to our knowledge. The R607W variant is observed in 6/6608 (0.09%) alleles from individuals of Finnish European background, in the ExAC dataset (Lek et al., 2016). The R607W variant is a non-conservative amino acid substitution, which is likely to impact secondary protein structure as these residues differ in polarity, charge, size and/or other properties. This substitution occurs at a position that is not conserved. In silico analysis predicts this variant is probably damaging to the protein structure/function. We interpret R607W as a variant of uncertain significance.

Breakthrough Genomics
Classification: Uncertain significance. Review status: criteria provided, single submitter. Criteria: ACMG Guidelines, 2015. Collection method: not provided. Allele origin: germline. Inheritance: Autosomal recessive inheritance. Affected: yes.

NM_001242957.3(MAK):c.1819C>T (p.Arg607Trp)

Gene: MAK (male germ cell associated kinase; minus strand). Cytogenetic location: 6p24.2.
Variant type: single nucleotide variant.
Coding change: c.1819C>T on transcript NM_001242957.3 (MANE Select); coding-DNA position 1819, C replaced by T.
Protein change: p.Arg607Trp; replaces arginine 607 with tryptophan.
Molecular consequence: missense variant. On other transcripts: non-coding transcript variant (2).
Genome position (GRCh38, 1-based): chr6:10,764,580, G>A on the plus strand (C>T on the coding strand, the complement: MAK is on the minus strand). VCF-style: chr6-10764580-G-A. GRCh37 (hg19) VCF-style: chr6-10764813-G-A.
Other names: c.1744C>T (NM_005906.4); c.1624C>T, p.Arg542Trp (NM_001242385.2); c.1522C>T, p.Arg508Trp (NM_001377262.1); c.1744C>T, p.Arg582Trp (NM_005906.6); short protein forms R607W, R582W, R542W, R508W.
Identifiers: ClinVar variation 451075 (VCV000451075.15), dbSNP rs199594233, ClinGen allele CA3633332.